The following is an entry in ClinVar:

ClinVar aggregate classification (germline): Likely benign (1 of 4 stars; one submission).

gnomAD v4.1: 9,162 of 1,537,268 alleles (0.6%); highest among the groups gnomAD compares: Non-Finnish European, 0.7%; 38 homozygotes.

Submission:

CeGaT Center for Human Genetics Tuebingen
Classification: Likely benign. Last evaluated: 2026-06-01. Review status: criteria provided, single submitter. Criteria: CeGaT Center For Human Genetics Tuebingen Variant Classification Criteria Version 2. Collection method: clinical testing. Allele origin: germline. Affected: yes. Observed: 2 variant alleles.
Comment: TRANK1: BP4, BP7, BS2

NM_001329998.2(TRANK1):c.1554T>C (p.His518=)

Gene: TRANK1 (tetratricopeptide repeat and ankyrin repeat containing 1; minus strand). Cytogenetic location: 3p22.2.
Variant type: single nucleotide variant.
Coding change: c.1554T>C on transcript NM_001329998.2 (MANE Select); coding-DNA position 1554, T replaced by C.
Protein change: p.His518=; no amino-acid change (histidine 518 retained).
Molecular consequence: synonymous variant.
Genome position (GRCh38, 1-based): chr3:36,858,836, A>G on the plus strand (T>C on the coding strand, the complement: TRANK1 is on the minus strand). VCF-style: chr3-36858836-A-G. GRCh37 (hg19) VCF-style: chr3-36900327-A-G.
Other names: c.1422T>C, p.His474= (NM_014831.3).
Identifiers: ClinVar variation 4533468 (VCV004533468.6).